The following is an entry in ClinVar:

ClinVar aggregate classification (germline): Uncertain significance (1 of 4 stars; one submission).

Submission:

GeneDx
Classification: Uncertain significance. Last evaluated: 2025-04-22. Review status: criteria provided, single submitter. Criteria: GeneDx Variant Classification Process June 2021. Collection method: clinical testing. Allele origin: germline. Affected: yes.
Comment: Not observed at significant frequency in large population cohorts (gnomAD); In silico analysis supports that this missense variant has a deleterious effect on protein structure/function; Has not been previously published as pathogenic or benign to our knowledge

NM_014905.5(GLS):c.533G>A (p.Cys178Tyr)

Gene: GLS (glutaminase; plus strand). Cytogenetic location: 2q32.2.
Variant type: single nucleotide variant.
Coding change: c.533G>A on transcript NM_014905.5 (MANE Select); coding-DNA position 533, G replaced by A.
Protein change: p.Cys178Tyr; replaces cysteine 178 with tyrosine.
Molecular consequence: missense variant.
Genome position (GRCh38, 1-based): chr2:190,895,653, G>A. VCF-style: chr2-190895653-G-A. GRCh37 (hg19) VCF-style: chr2-191760379-G-A.
Other names: c.533G>A, p.Cys178Tyr (NM_001256310.2, NM_001437282.1, NM_001437283.1); short protein forms C178Y.
Identifiers: ClinVar variation 4526990 (VCV004526990.1).
Genomic context (GRCh38, chr2:190,895,653, plus strand): 5'-TTTAAAAACAGGCACTCAAATCTACAGGATTGCGAACGTCTGATCCCAGGTTGAAAGAGT[G>A]TATGGATATGTTAAGATTAACTCTTCAAACAACATCAGATGGTGTCATGCTAGACAAAGA-3'
Protein context (NP_055720.3, residues 168-188): LRTSDPRLKE[Cys178Tyr]MDMLRLTLQT